The following is an entry in ClinVar:

NM_201384.3(PLEC):c.3869A>G (p.Lys1290Arg)

Gene: PLEC (plectin; minus strand). Cytogenetic location: 8q24.3.
Variant type: single nucleotide variant.
Coding change: c.3869A>G on transcript NM_201384.3 (MANE Select); coding-DNA position 3869, A replaced by G.
Protein change: p.Lys1290Arg; replaces lysine 1290 with arginine.
Molecular consequence: missense variant.
Genome position (GRCh38, 1-based): chr8:143,927,053, T>C on the plus strand (A>G on the coding strand, the complement: PLEC is on the minus strand). VCF-style: chr8-143927053-T-C. GRCh37 (hg19) VCF-style: chr8-145001221-T-C.
Other names: c.3950A>G, p.Lys1317Arg (NM_000445.5); c.3827A>G, p.Lys1276Arg (NM_201378.4); c.3803A>G, p.Lys1268Arg (NM_201379.3); c.4280A>G, p.Lys1427Arg (NM_201380.4); c.3773A>G, p.Lys1258Arg (NM_201381.3); c.3869A>G, p.Lys1290Arg (NM_201382.4); c.3881A>G, p.Lys1294Arg (NM_201383.3); short protein forms K1276R, K1290R, K1294R, K1317R, K1268R, K1427R, K1258R.
Identifiers: ClinVar variation 471582 (VCV000471582.30), dbSNP rs200895043, ClinGen allele CA4926869.
Genomic context (GRCh38, chr8:143,927,053, plus strand): 5'-TCTGATCCCGACTGGACCTTGGGCTTCTTGGCCGGGGAGGCCACCGGCTCAAGCTGCGCC[T>C]TGTACGTCACCAGCTGGAGTTCATAGTCCTGTGGCAATGCACTGCGGTCAGCCACCAGCT-3'
Protein context (NP_958786.1, residues 1280-1300): KDYELQLVTY[Lys1290Arg]AQLEPVASPA

ClinVar aggregate classification (germline): Benign/Likely benign. Review status: criteria provided, multiple submitters, no conflicts (2 of 4 stars). 7 submissions from 7 submitters: Benign (5); Likely benign (1). 1 of the submissions does not count toward it. Last evaluated 2026-06-01.

Conditions:
Epidermolysis bullosa simplex, Ogna type (EBS5A). Also called: Pidermolysis bullosa simplex 5A, Ogna type; EPIDERMOLYSIS BULLOSA SIMPLEX 5A, OGNA TYPE. Identifiers: Orphanet 79401, MedGen C0432317, MONDO:0007555, OMIM 131950.
Autosomal recessive limb-girdle muscular dystrophy type 2Q (LGMDR17). Also called: MUSCULAR DYSTROPHY, LIMB-GIRDLE, AUTOSOMAL RECESSIVE 17. Identifiers: Orphanet 254361, MedGen C3150989, MONDO:0013390, OMIM 613723.
Epidermolysis bullosa simplex 5B, with muscular dystrophy (EBS5B). Also called: Epidermolysis bullosa simplex with muscular dystrophy; EPIDERMOLYSIS BULLOSA SIMPLEX AND LIMB-GIRDLE MUSCULAR DYSTROPHY. Identifiers: Orphanet 257, MedGen C2931072, MONDO:0009181, OMIM 226670.
Epidermolysis bullosa simplex with nail dystrophy (EBS5D). Identifiers: MedGen C4225309, MONDO:0014661, OMIM 616487.
Epidermolysis bullosa simplex 5C, with pyloric atresia (EBS5C). Also called: PLEC-Related Epidermolysis Bullosa with Pyloric Atresia; Epidermolysis bullosa simplex with pyloric atresia; PLEC1-Related Epidermolysis Bullosa with Pyloric Atresia. Identifiers: Orphanet 158684, MedGen C2677349, MONDO:0012807, OMIM 612138.
Multiple sclerosis. Identifiers: MedGen C0026769, MONDO:0005301.

Allele frequency attached by ClinVar (database versions not stated): gnomAD exomes 0.00153 and 0.00305; 1000 Genomes Project 0.00240; ExAC 0.00272; 1000 Genomes Project 30x 0.00312; ESP Exome Variant Server 0.00460; gnomAD 0.00500 and 0.00541; TOPMed 0.00549.
gnomAD v4.1: 3,148 of 1,611,936 alleles (0.2%); highest among the groups gnomAD compares: African/African-American, 1.1%; 24 homozygotes.

Submissions (7):

CeGaT Center for Human Genetics Tuebingen
Classification: Likely benign. Last evaluated: 2026-06-01. Review status: criteria provided, single submitter. Criteria: CeGaT Center For Human Genetics Tuebingen Variant Classification Criteria Version 2. Collection method: clinical testing. Allele origin: germline. Affected: yes. Observed: 4 variant alleles.
Comment: PLEC: BP4, BS1

Labcorp Genetics (formerly Invitae), Labcorp
Classification: Benign for Autosomal recessive limb-girdle muscular dystrophy type 2Q; Epidermolysis bullosa simplex, Ogna type; Epidermolysis bullosa simplex with nail dystrophy; Epidermolysis bullosa simplex 5C, with pyloric atresia; Epidermolysis bullosa simplex 5B, with muscular dystrophy. Last evaluated: 2026-02-02. Review status: criteria provided, single submitter. Criteria: Invitae Variant Classification Sherloc (09022015). Collection method: clinical testing. Allele origin: germline.

Dasa
Classification: Benign. Last evaluated: 2025-12-02. Review status: criteria provided, single submitter. Criteria: DASA Assertion Criteria. Collection method: clinical testing. Allele origin: germline.
Comment: NM_201384.3(PLEC):c.3869A>G (p.Lys1290Arg) is interpreted as benign based on a combination of available evidence, including population frequency, observations in unaffected individuals, and in silico models suggesting no deleterious effect. Based on the available data, this variant is classified as benign.

Athena Diagnostics
Classification: Benign. Last evaluated: 2023-11-21. Review status: criteria provided, single submitter. Criteria: Athena Diagnostics Criteria. Collection method: clinical testing. Allele origin: unknown.

GeneDx
Classification: Benign. Last evaluated: 2018-04-24. Review status: criteria provided, single submitter. Criteria: GeneDx Variant Classification (06012015). Collection method: clinical testing. Allele origin: germline. Affected: yes.
Comment: This variant is considered likely benign or benign based on one or more of the following criteria: it is a conservative change, it occurs at a poorly conserved position in the protein, it is predicted to be benign by multiple in silico algorithms, and/or has population frequency not consistent with disease.

Breakthrough Genomics
Classification: Benign. Review status: criteria provided, single submitter. Criteria: ACMG Guidelines, 2015. Collection method: not provided. Allele origin: germline. Inheritance: Autosomal recessive inheritance. Affected: yes.

Department of Molecular Biology and Genetics, Acibadem University
Classification: Likely pathogenic for Multiple sclerosis. Last evaluated: 2024-06-10. Review status: no assertion criteria provided. Collection method: research. Allele origin: germline. Affected: yes. Not counted in ClinVar's aggregate classification.

Literature cited by the submitters: PubMed 29590070 (cited by Athena Diagnostics).